The following is an entry in ClinVar:

ClinVar aggregate classification (germline): Uncertain significance (1 of 4 stars; one submission).

Allele frequency attached by ClinVar (database versions not stated): gnomAD exomes below 0.00001; TOPMed below 0.00001; gnomAD 0.00001.
gnomAD v4.1: 3 of 1,613,760 alleles (0.00019%); highest among the groups gnomAD compares: African/African-American, 0.0027%; no homozygotes.

Submission:

Labcorp Genetics (formerly Invitae), Labcorp
Classification: Uncertain significance. Last evaluated: 2022-05-27. Review status: criteria provided, single submitter. Criteria: Invitae Variant Classification Sherloc (09022015). Collection method: clinical testing. Allele origin: germline.
Comment: This sequence change replaces leucine, which is neutral and non-polar, with valine, which is neutral and non-polar, at codon 107 of the GGCX protein (p.Leu107Val). This variant is not present in population databases (gnomAD no frequency). This variant has not been reported in the literature in individuals affected with GGCX-related conditions. Algorithms developed to predict the effect of missense changes on protein structure and function are either unavailable or do not agree on the potential impact of this missense change (SIFT: "Deleterious"; PolyPhen-2: "Probably Damaging"; Align-GVGD: "Class C0"). In summary, the available evidence is currently insufficient to determine the role of this variant in disease. Therefore, it has been classified as a Variant of Uncertain Significance.

NM_000821.7(GGCX):c.319C>G (p.Leu107Val)

Gene: GGCX (gamma-glutamyl carboxylase; minus strand). Cytogenetic location: 2p11.2.
Variant type: single nucleotide variant.
Coding change: c.319C>G on transcript NM_000821.7 (MANE Select); coding-DNA position 319, C replaced by G.
Protein change: p.Leu107Val; replaces leucine 107 with valine.
Molecular consequence: missense variant.
Genome position (GRCh38, 1-based): chr2:85,558,971, G>C on the plus strand (C>G on the coding strand, the complement: GGCX is on the minus strand). VCF-style: chr2-85558971-G-C. GRCh37 (hg19) VCF-style: chr2-85786094-G-C.
Other names: c.148C>G, p.Leu50Val (NM_001142269.4); c.319C>G, p.Leu107Val (NM_001311312.3); short protein forms L107V, L50V.
Identifiers: ClinVar variation 1977399 (VCV001977399.5), dbSNP rs934577099, ClinGen allele CA51739594.